The following is an entry in ClinVar:

NM_000179.3(MSH6):c.1310A>G (p.His437Arg)

Gene: MSH6 (mutS homolog 6; plus strand). Cytogenetic location: 2p16.3.
Variant type: single nucleotide variant.
Coding change: c.1310A>G on transcript NM_000179.3 (MANE Select); coding-DNA position 1310, A replaced by G.
Protein change: p.His437Arg; replaces histidine 437 with arginine.
Molecular consequence: missense variant.
Genome position (GRCh38, 1-based): chr2:47,799,293, A>G. VCF-style: chr2-47799293-A-G. GRCh37 (hg19) VCF-style: chr2-48026432-A-G.
Other names: c.920A>G, p.His307Arg (NM_001281492.2); c.404A>G, p.His135Arg (NM_001281493.2, NM_001281494.2); short protein forms H135R, H437R, H307R.
Identifiers: ClinVar variation 1370812 (VCV001370812.6), dbSNP rs2104335299, ClinGen allele CA346744353.
Genomic context (GRCh38, chr2:47,799,293, plus strand): 5'-AGTCTCAGAACTTTGATCTTGTCATCTGTTACAAGGTGGGGAAATTTTATGAGCTGTACC[A>G]CATGGATGCTCTTATTGGAGTCAGTGAACTGGGGCTGGTATTCATGAAAGGCAACTGGGC-3'
Protein context (NP_000170.1, residues 427-447): YKVGKFYELY[His437Arg]MDALIGVSEL

ClinVar aggregate classification (germline): Uncertain significance (1 of 4 stars; one submission).

Conditions:
Hereditary nonpolyposis colorectal neoplasms. Identifiers: MedGen C0009405, MeSH D003123.

Submission:

Labcorp Genetics (formerly Invitae), Labcorp
Classification: Uncertain significance for Hereditary nonpolyposis colorectal neoplasms. Last evaluated: 2021-10-12. Review status: criteria provided, single submitter. Criteria: Invitae Variant Classification Sherloc (09022015). Collection method: clinical testing. Allele origin: germline.
Comment: This variant is not present in population databases (ExAC no frequency). This variant has not been reported in the literature in individuals affected with MSH6-related conditions. Advanced modeling of protein sequence and biophysical properties (such as structural, functional, and spatial information, amino acid conservation, physicochemical variation, residue mobility, and thermodynamic stability) performed at Invitae indicates that this missense variant is expected to disrupt MSH6 protein function. Experimental studies have shown that this missense change affects MSH6 function (PMID: 31965077). This sequence change replaces histidine with arginine at codon 437 of the MSH6 protein (p.His437Arg). The histidine residue is highly conserved and there is a small physicochemical difference between histidine and arginine. In summary, the available evidence is currently insufficient to determine the role of this variant in disease. Therefore, it has been classified as a Variant of Uncertain Significance.

Literature cited by the submitters: PubMed 31965077.